The following is an entry in ClinVar:

ClinVar aggregate classification (germline): Uncertain significance (1 of 4 stars; one submission).

Submission:

Labcorp Genetics (formerly Invitae), Labcorp
Classification: Uncertain significance. Last evaluated: 2022-06-27. Review status: criteria provided, single submitter. Criteria: Invitae Variant Classification Sherloc (09022015). Collection method: clinical testing. Allele origin: germline.
Comment: In summary, the available evidence is currently insufficient to determine the role of this variant in disease. Therefore, it has been classified as a Variant of Uncertain Significance. Algorithms developed to predict the effect of missense changes on protein structure and function are either unavailable or do not agree on the potential impact of this missense change (SIFT: "Deleterious"; PolyPhen-2: "Benign"; Align-GVGD: "Class C0"). This variant has not been reported in the literature in individuals affected with DNAH9-related conditions. This variant is present in population databases (no rsID available, gnomAD 0.0009%). This sequence change replaces serine, which is neutral and polar, with cysteine, which is neutral and slightly polar, at codon 168 of the DNAH9 protein (p.Ser168Cys).

NM_001372.4(DNAH9):c.502A>T (p.Ser168Cys)

Gene: DNAH9 (dynein axonemal heavy chain 9; plus strand). Cytogenetic location: 17p12.
Variant type: single nucleotide variant.
Coding change: c.502A>T on transcript NM_001372.4 (MANE Select); coding-DNA position 502, A replaced by T.
Protein change: p.Ser168Cys; replaces serine 168 with cysteine.
Molecular consequence: missense variant.
Genome position (GRCh38, 1-based): chr17:11,608,213, A>T. VCF-style: chr17-11608213-A-T. GRCh37 (hg19) VCF-style: chr17-11511530-A-T.
Other names: short protein forms S168C.
Identifiers: ClinVar variation 2070245 (VCV002070245.4), dbSNP rs1306751713, ClinGen allele CA398158986.